The following is an entry in ClinVar:

NM_000245.4(MET):c.1922C>T (p.Ser641Leu)

Gene: MET (MET proto-oncogene, receptor tyrosine kinase; plus strand). Cytogenetic location: 7q31.2.
Variant type: single nucleotide variant.
Coding change: c.1922C>T on transcript NM_000245.4 (MANE Select); coding-DNA position 1922, C replaced by T.
Protein change: p.Ser641Leu; replaces serine 641 with leucine.
Molecular consequence: missense variant.
Genome position (GRCh38, 1-based): chr7:116,757,496, C>T. VCF-style: chr7-116757496-C-T. GRCh37 (hg19) VCF-style: chr7-116397550-C-T.
Other names: c.1922C>T, p.Ser641Leu (NM_001127500.3, NM_001324401.3); c.632C>T, p.Ser211Leu (NM_001324402.2); short protein forms S211L, S641L.
Identifiers: ClinVar variation 3665783 (VCV003665783.2).

ClinVar aggregate classification (germline): Uncertain significance (1 of 4 stars; one submission).

Conditions:
Renal cell carcinoma. Identifiers: Orphanet 217071, MedGen C0007134, MeSH D002292, MONDO:0005086, HP:0005584.

Submission:

Labcorp Genetics (formerly Invitae), Labcorp
Classification: Uncertain significance for Renal cell carcinoma. Last evaluated: 2024-11-19. Review status: criteria provided, single submitter. Criteria: Invitae Variant Classification Sherloc (09022015). Collection method: clinical testing. Allele origin: germline.
Comment: This sequence change replaces serine, which is neutral and polar, with leucine, which is neutral and non-polar, at codon 641 of the MET protein (p.Ser641Leu). This variant is not present in population databases (gnomAD no frequency). This variant has not been reported in the literature in individuals affected with MET-related conditions. Invitae Evidence Modeling of protein sequence and biophysical properties (such as structural, functional, and spatial information, amino acid conservation, physicochemical variation, residue mobility, and thermodynamic stability) indicates that this missense variant is not expected to disrupt MET protein function with a negative predictive value of 80%. In summary, the available evidence is currently insufficient to determine the role of this variant in disease. Therefore, it has been classified as a Variant of Uncertain Significance.